The following is an entry in ClinVar:

ClinVar aggregate classification (germline): Uncertain significance. Review status: criteria provided, multiple submitters, no conflicts (2 of 4 stars). 2 submissions from 2 submitters: Uncertain significance (2). Last evaluated 2025-07-07.

Conditions:
Autosomal dominant polycystic kidney disease. Identifiers: Orphanet 730, MedGen C0085413, MONDO:0004691.

Allele frequency attached by ClinVar (database versions not stated): gnomAD 0.00003 and 0.00005; TOPMed 0.00003; gnomAD exomes 0.00004 and 0.00006; ExAC 0.00007; 1000 Genomes Project 30x 0.00031; 1000 Genomes Project 0.00040.
gnomAD v4.1: 68 of 1,614,040 alleles (0.0042%); highest among the groups gnomAD compares: East Asian, 0.11%; no homozygotes.

Submissions (2):

Labcorp Genetics (formerly Invitae), Labcorp
Classification: Uncertain significance for Autosomal dominant polycystic kidney disease. Last evaluated: 2025-07-07. Review status: criteria provided, single submitter. Criteria: Invitae Variant Classification Sherloc (09022015). Collection method: clinical testing. Allele origin: germline.
Comment: This sequence change replaces arginine, which is basic and polar, with glutamine, which is neutral and polar, at codon 848 of the PKD2 protein (p.Arg848Gln). This variant is present in population databases (rs201598917, gnomAD 0.05%), and has an allele count higher than expected for a pathogenic variant. This missense change has been observed in individual(s) with clinical features of polycystic kidney disease (PMID: 17100995, 27567292). ClinVar contains an entry for this variant (Variation ID: 373386). Invitae Evidence Modeling of protein sequence and biophysical properties (such as structural, functional, and spatial information, amino acid conservation, physicochemical variation, residue mobility, and thermodynamic stability) indicates that this missense variant is not expected to disrupt PKD2 protein function with a negative predictive value of 80%. In summary, the available evidence is currently insufficient to determine the role of this variant in disease. Therefore, it has been classified as a Variant of Uncertain Significance.

GeneDx
Classification: Uncertain significance. Last evaluated: 2016-11-28. Review status: criteria provided, single submitter. Criteria: GeneDx Variant Classification (06012015). Collection method: clinical testing. Allele origin: germline. Affected: yes.
Comment: The R848Q variant in the PKD2 gene has not been reported previously as a pathogenic variant, nor as a benign variant, to our knowledge. The R848Q variant was not observed in approximately 6,500 individuals of European and African American ancestry in the NHLBI Exome Sequencing Project, indicating it is not a common benign variant in these populations. The R848Q variant is a semi-conservative amino acid substitution, which may impact secondary protein structure as these residues differ in some properties. This substitution occurs at a position that is conserved across species. In silico analysis is inconsistent in its predictions as to whether or not the variant is damaging to the protein structure/function. We interpret R848Q as a variant of uncertain significance.

Literature cited by the submitters: PubMed 17100995 (cited by Labcorp Genetics (formerly Invitae), Labcorp); PubMed 27567292 (cited by Labcorp Genetics (formerly Invitae), Labcorp).

NM_000297.4(PKD2):c.2543G>A (p.Arg848Gln)

Gene: PKD2 (polycystin 2, transient receptor potential cation channel; plus strand). Cytogenetic location: 4q22.1.
Variant type: single nucleotide variant.
Coding change: c.2543G>A on transcript NM_000297.4 (MANE Select); coding-DNA position 2543, G replaced by A.
Protein change: p.Arg848Gln; replaces arginine 848 with glutamine.
Molecular consequence: missense variant. On other transcripts: non-coding transcript variant (1).
Genome position (GRCh38, 1-based): chr4:88,074,832, G>A. VCF-style: chr4-88074832-G-A. GRCh37 (hg19) VCF-style: chr4-88995984-G-A.
Other names: short protein forms R848Q.
Identifiers: ClinVar variation 373386 (VCV000373386.5), dbSNP rs201598917, ClinGen allele CA3004288.
Genomic context (GRCh38, chr4:88,074,832, plus strand): 5'-GACAAGCACTTTGTCCCTCTGTACTGTGTTTTCCTTGCAGCCTGGTGAGACGAGTGGACC[G>A]GATGGAGCATTCCATCGGCAGCATAGTGTCCAAGATTGACGCCGTGATCGTGAAGCTAGA-3'
Protein context (NP_000288.1, residues 838-858): EFQVLVRRVD[Arg848Gln]MEHSIGSIVS